The following is an entry in ClinVar:

ClinVar aggregate classification (germline): Pathogenic (1 of 4 stars; one submission).

Submission:

Labcorp Genetics (formerly Invitae), Labcorp
Classification: Pathogenic. Last evaluated: 2023-12-24. Review status: criteria provided, single submitter. Criteria: Invitae Variant Classification Sherloc (09022015). Collection method: clinical testing. Allele origin: unknown.
Comment: This variant is a gross deletion of the genomic region encompassing exon(s) 35-37 of the TTC37 gene. This deletion is out-of-frame, and is expected to create a premature termination codon and result in an absent or disrupted protein product. Loss-of-function variants in TTC37 are known to be pathogenic (PMID: 20176027, 21120949). This variant has not been reported in the literature in individuals affected with TTC37-related conditions. For these reasons, this variant has been classified as Pathogenic.

Literature cited by the submitters: PubMed 20176027; PubMed 21120949.

NC_000005.9:g.(?_94826592)_(94830741_?)del

Gene: SKIC3 (SKI3 subunit of superkiller complex; minus strand). Cytogenetic location: 5q15.
Variant type: Deletion.
Identifiers: ClinVar variation 3246517 (VCV003246517.1).